The following is an entry in ClinVar:

ClinVar aggregate classification (germline): Uncertain significance (0 of 4 stars; one submission).

Conditions:
POMC-related disorder. Also called: POMC-related disorders; POMC-related condition.

gnomAD v4.1: 3 of 1,614,010 alleles (0.00019%); highest among the groups gnomAD compares: African/African-American, 0.0013%; no homozygotes.

Submission:

PreventionGenetics, part of Exact Sciences
Classification: Uncertain significance for POMC-related condition. Last evaluated: 2024-03-05. Review status: no assertion criteria provided. Collection method: clinical testing. Allele origin: germline.
Comment: The POMC c.29G>A variant is predicted to result in the amino acid substitution p.Gly10Glu. This variant was observed in a cohort of individuals with obesity (Supplemental Data Set 3, Shah et al. 2023. PubMed ID: 36864747). In vitro functional studies (same study) showed this variant did not reduce protein function and could cause increased function. This variant has not been reported in a large population database, indicating this variant is rare. At this time, the clinical significance of this variant is uncertain due to the absence of conclusive functional and genetic evidence.

NM_000939.4(POMC):c.29G>A (p.Gly10Glu)

Gene: POMC (proopiomelanocortin; minus strand). Cytogenetic location: 2p23.3.
Variant type: single nucleotide variant.
Coding change: c.29G>A on transcript NM_000939.4 (MANE Select); coding-DNA position 29, G replaced by A.
Protein change: p.Gly10Glu; replaces glycine 10 with glutamic acid.
Molecular consequence: missense variant.
Genome position (GRCh38, 1-based): chr2:25,164,744, C>T on the plus strand (G>A on the coding strand, the complement: POMC is on the minus strand). VCF-style: chr2-25164744-C-T. GRCh37 (hg19) VCF-style: chr2-25387613-C-T.
Other names: c.29G>A, p.Gly10Glu (NM_001035256.3, NM_001319204.2, NM_001319205.2); short protein forms G10E.
Identifiers: ClinVar variation 3349408 (VCV003349408.1).
Genomic context (GRCh38, chr2:25,164,744, plus strand): 5'-TCCAGGCACCAGCCACGCACTTCCATGGAGGCCTGAAGCAGCAAGGCCAGCAACAGGGCC[C>T]CCGAGCGGCTGCAGCACGATCTCGGCATCTTCCAGGCAGGCTGAGGCTCTGCAGAAGCAA-3'
Protein context (NP_000930.1, residues 1-20): MPRSCCSRS[Gly10Glu]ALLLALLLQA